The following is an entry in ClinVar:

NM_000283.4(PDE6B):c.2391C>T (p.Phe797=)

Gene: PDE6B (phosphodiesterase 6B; plus strand). Cytogenetic location: 4p16.3.
Variant type: single nucleotide variant.
Coding change: c.2391C>T on transcript NM_000283.4 (MANE Select); coding-DNA position 2391, C replaced by T.
Protein change: p.Phe797=; no amino-acid change (phenylalanine 797 retained).
Molecular consequence: synonymous variant.
Genome position (GRCh38, 1-based): chr4:667,894, C>T. VCF-style: chr4-667894-C-T. GRCh37 (hg19) VCF-style: chr4-661683-C-T.
Other names: c.2391C>T, p.Phe797= (NM_001145291.2); c.1554C>T, p.Phe518= (NM_001145292.2, NM_001350154.3, NM_001379246.1 and 1 more transcripts); c.1236C>T, p.Phe412= (NM_001350155.3); c.2391C>T (NM_000283.3).
Identifiers: ClinVar variation 1138479 (VCV001138479.11), dbSNP rs143154045, ClinGen allele CA2795045.

ClinVar aggregate classification (germline): Likely benign. Review status: criteria provided, multiple submitters, no conflicts (2 of 4 stars). 3 submissions from 3 submitters: Likely benign (3). Last evaluated 2026-01-19.

Conditions:
PDE6B-related disorder. Also called: PDE6B-related disease; PDE6B-related condition; PDE6B-related disorders.

Allele frequency attached by ClinVar (database versions not stated): 1000 Genomes Project 30x 0.00016; 1000 Genomes Project 0.00020.
gnomAD v4.1: 57 of 1,613,468 alleles (0.0035%); highest among the groups gnomAD compares: African/African-American, 0.044%; no homozygotes.

Submissions (3):

Labcorp Genetics (formerly Invitae), Labcorp
Classification: Likely benign. Last evaluated: 2026-01-19. Review status: criteria provided, single submitter. Criteria: Invitae Variant Classification Sherloc (09022015). Collection method: clinical testing. Allele origin: germline.

PreventionGenetics, part of Exact Sciences
Classification: Likely benign for PDE6B-related condition. Last evaluated: 2025-10-15. Review status: criteria provided, single submitter. Criteria: ACMG Guidelines, 2015. Collection method: clinical testing. Allele origin: germline.
Comment: This variant is classified as likely benign based on ACMG/AMP sequence variant interpretation guidelines (Richards et al. 2015 PMID: 25741868, with internal and published modifications).

Blueprint Genetics
Classification: Likely benign. Last evaluated: 2023-08-04. Review status: criteria provided, single submitter. Criteria: ACMG Guidelines, 2015. Collection method: clinical testing. Allele origin: germline.